The following is an entry in ClinVar:

NM_002087.4(GRN):c.1373C>G (p.Pro458Arg)

Gene: GRN (granulin precursor; plus strand). Cytogenetic location: 17q21.31.
Variant type: single nucleotide variant.
Coding change: c.1373C>G on transcript NM_002087.4 (MANE Select); coding-DNA position 1373, C replaced by G.
Protein change: p.Pro458Arg; replaces proline 458 with arginine.
Molecular consequence: missense variant.
Genome position (GRCh38, 1-based): chr17:44,352,208, C>G. VCF-style: chr17-44352208-C-G. GRCh37 (hg19) VCF-style: chr17-42429576-C-G.
Other names: short protein forms P458R.
Identifiers: ClinVar variation 1474441 (VCV001474441.6), dbSNP rs63750537, ClinGen allele CA399769274.

ClinVar aggregate classification (germline): Uncertain significance (1 of 4 stars; one submission).

Conditions:
GRN-related frontotemporal lobar degeneration with Tdp43 inclusions (FTD2). Also called: DEMENTIA, HEREDITARY DYSPHASIC DISINHIBITION; FRONTOTEMPORAL LOBAR DEGENERATION WITH UBIQUITIN-POSITIVE INCLUSIONS; FTLD-TDP, GRN-RELATED; GRN Frontotemporal Dementia; FRONTOTEMPORAL DEMENTIA WITH TDP43 INCLUSIONS, GRN-RELATED. Identifiers: Orphanet 100070, Orphanet 282, MedGen C1843792, MONDO:0011842, OMIM 607485. Disease mechanism: loss of function.
Neuronal ceroid lipofuscinosis 11. Also called: GRN-Related Neuronal Ceroid-Lipofuscinosis. Identifiers: Orphanet 314629, Orphanet 79262, MedGen C3539123, MONDO:0013866, OMIM 614706.

Submission:

Labcorp Genetics (formerly Invitae), Labcorp
Classification: Uncertain significance for Neuronal ceroid lipofuscinosis 11; GRN-related frontotemporal lobar degeneration with Tdp43 inclusions. Last evaluated: 2021-07-02. Review status: criteria provided, single submitter. Criteria: Invitae Variant Classification Sherloc (09022015). Collection method: clinical testing. Allele origin: germline.
Comment: Algorithms developed to predict the effect of missense changes on protein structure and function are either unavailable or do not agree on the potential impact of this missense change (SIFT: "Tolerated"; PolyPhen-2: "Possibly Damaging"; Align-GVGD: "Class C0"). This variant has not been reported in the literature in individuals affected with GRN-related conditions. This variant is not present in population databases (ExAC no frequency). This sequence change replaces proline with arginine at codon 458 of the GRN protein (p.Pro458Arg). The proline residue is moderately conserved and there is a moderate physicochemical difference between proline and arginine. In summary, the available evidence is currently insufficient to determine the role of this variant in disease. Therefore, it has been classified as a Variant of Uncertain Significance.